The following is an entry in ClinVar:

ClinVar aggregate classification (germline): Pathogenic/Likely pathogenic. Review status: criteria provided, multiple submitters, no conflicts (2 of 4 stars). 2 submissions from 2 submitters: Pathogenic (1); Likely pathogenic (1). Last evaluated 2021-07-13.

Conditions:
Mucolipidosis type II. Also called: Mucolipidosis 2; ML 2; Inclusion cell disease; Leroy Disease; N-acetylglucosamine 1phosphotransferase deficiency; ML disorder type 2. Identifiers: Orphanet 576, MedGen C2673377, MONDO:0009650, OMIM 252500.
Pseudo-Hurler polydystrophy. Also called: MUCOLIPIDOSIS IIIA; Type III Mucolipidosis; ML IIIA; Mucolipidosis III Alpha/Beta; ML III; ML III ALPHA/BETA. Identifiers: Orphanet 423461, Orphanet 577, MedGen C0033788, MONDO:0018931, OMIM 252600.

Submissions (2):

Labcorp Genetics (formerly Invitae), Labcorp
Classification: Pathogenic for Pseudo-Hurler polydystrophy; Mucolipidosis type II. Last evaluated: 2021-07-13. Review status: criteria provided, single submitter. Criteria: Invitae Variant Classification Sherloc (09022015). Collection method: clinical testing. Allele origin: germline.
Comment: For these reasons, this variant has been classified as Pathogenic. This variant has not been reported in the literature in individuals affected with GNPTAB-related conditions. This variant is not present in population databases (ExAC no frequency). This sequence change creates a premature translational stop signal (p.Glu542*) in the GNPTAB gene. It is expected to result in an absent or disrupted protein product. Loss-of-function variants in GNPTAB are known to be pathogenic (PMID: 19617216, 25107912).

Juno Genomics, Hangzhou Juno Genomics, Inc
Classification: Likely pathogenic for Mucolipidosis type II; Pseudo-Hurler polydystrophy. Review status: criteria provided, single submitter. Criteria: ACMG Guidelines, 2015. Collection method: clinical testing. Allele origin: germline.
Comment: Null variant in a gene where loss of function (LOF) is a known mechanism of disease.;Absent from controls (or at extremely low frequency if recessive) in Genome Aggregation Database.

Literature cited by the submitters: PubMed 19617216 (cited by Labcorp Genetics (formerly Invitae), Labcorp); PubMed 25107912 (cited by Labcorp Genetics (formerly Invitae), Labcorp).

NM_024312.5(GNPTAB):c.1624G>T (p.Glu542Ter)

Gene: GNPTAB (N-acetylglucosamine-1-phosphate transferase subunits alpha and beta; minus strand). Cytogenetic location: 12q23.2.
Variant type: single nucleotide variant.
Coding change: c.1624G>T on transcript NM_024312.5 (MANE Select); coding-DNA position 1624, G replaced by T.
Protein change: p.Glu542Ter; replaces glutamic acid 542 with a stop codon.
Molecular consequence: nonsense.
Genome position (GRCh38, 1-based): chr12:101,765,293, C>A on the plus strand (G>T on the coding strand, the complement: GNPTAB is on the minus strand). VCF-style: chr12-101765293-C-A. GRCh37 (hg19) VCF-style: chr12-102159071-C-A.
Other names: short protein forms E542*.
Identifiers: ClinVar variation 1456093 (VCV001456093.8), dbSNP rs2137118051, ClinGen allele CA386300178.
Genomic context (GRCh38, chr12:101,765,293, plus strand): 5'-ATTCACCTTTTGGAATAATATAGTGAGTCTGGTTTGGGAGAAGGATCACTTTATACAATT[C>A]ATGAAAATGATCTAGAGGAAAAAACAGAAACATGATTTTTTTTTTAACTGGGCATTTTTC-3'